The following is an entry in ClinVar:

NM_006493.4(CLN5):c.626A>G (p.Tyr209Cys)

Gene: CLN5 (CLN5 lysosomal BMP synthase; plus strand). Cytogenetic location: 13q22.3.
Variant type: single nucleotide variant.
Coding change: c.626A>G on transcript NM_006493.4 (MANE Select); coding-DNA position 626, A replaced by G.
Protein change: p.Tyr209Cys; replaces tyrosine 209 with cysteine.
Molecular consequence: missense variant. On other transcripts: 3 prime UTR variant (1).
Genome position (GRCh38, 1-based): chr13:77,000,518, A>G. VCF-style: chr13-77000518-A-G. GRCh37 (hg19) VCF-style: chr13-77574653-A-G.
Other names: c.*75A>G (NM_001366624.2); short protein forms Y209C, Y258C.
Identifiers: ClinVar variation 2627620 (VCV002627620.3), dbSNP rs762787810, ClinGen allele CA7007236.

ClinVar aggregate classification (germline): Likely pathogenic. Review status: criteria provided, multiple submitters, no conflicts (2 of 4 stars). 2 submissions from 2 submitters: Likely pathogenic (2). Last evaluated 2026-01-07.

Conditions:
Neuronal ceroid lipofuscinosis. Also called: Neuronal Ceroid Lipofuscinoses. Identifiers: Orphanet 216, Orphanet 79263, MedGen C0027877, MONDO:0016295. Disease mechanism: loss of function.
Neuronal ceroid lipofuscinosis 5 (CLN5). Also called: Neuronal ceroid lipofuscinosis Finnish variant; NEURONAL CEROID LIPOFUSCINOSIS, LATE INFANTILE, FINNISH VARIANT; CEROID LIPOFUSCINOSIS, NEURONAL, 5, VARIABLE AGE AT ONSET; CLN5-Related Neuronal Ceroid-Lipofuscinosis. Identifiers: Orphanet 168491, Orphanet 228360, MedGen C1850442, MONDO:0009745, OMIM 256731.

Allele frequency attached by ClinVar (database versions not stated): ExAC 0.00001; gnomAD exomes 0.00001.

Submissions (2):

Natera, Inc.
Classification: Likely pathogenic for Neuronal ceroid lipofuscinosis. Last evaluated: 2026-01-07. Review status: criteria provided, single submitter. Criteria: Natera Variant Classification Schema (03/2026). Collection method: clinical testing. Allele origin: germline.
Comment: The c.773A>G variant in CLN5 is a missense variant predicted to cause substitution of tyrosine to cysteine at amino acid 258. This variant is rare in the general population with a frequency below the threshold expected for the associated phenotype(s). This variant has been observed in one or more individuals affected with the associated recessive disease, as either homozygous or compound heterozygous with a second variant (PMID: 39675099). A different variant at the same position has been determined to be Pathogenic or Likely Pathogenic. Computational prediction algorithms indicate this variant is likely to affect gene or protein function. Given the available evidence, this variant is classified as Likely Pathogenic.

Human Genome Lab, NIMHANS, National Institute of Mental Health and Neuro Sciences
Classification: Likely pathogenic for Neuronal ceroid lipofuscinosis 5. Review status: criteria provided, single submitter. Criteria: ACMG Guidelines, 2015. Collection method: clinical testing. Allele origin: germline. Inheritance: Autosomal recessive inheritance. Affected: yes. Observed: 1 homozygote.
Comment: The missense variant NM_006493.4:c.626A>G has not been reported previously as a pathogenic variant nor as a benign variant, to our knowledge. The NP_006484.2: p.Tyr209Cys variant is novel (not in any individuals) in 1000 Genomes as well as in our inhouse database. The p.Tyr209Cys variant is observed in 2/111,560 (0.0018%) alleles from individuals of gnomAD Non-Finnish European background in gnomAD only in heterozygous state. There is a large physicochemical difference between tyrosine and cysteine, which is likely to impact secondary protein structure as these residues differ in polarity, charge, size and/or other properties. The p.Tyr209Cys missense variant is predicted to be damaging by both SIFT and PolyPhen2. The tyrosine residue at codon 209 of CLN5 is conserved in all mammalian species. The nucleotide c.626 in CLN5 is predicted conserved by GERP++ and PhyloP across 100 vertebrates. In addition, the patient's clinical phenotype matches with that of the disorder caused by pathogenic variants in CLN5 gene. For these reasons, this variant has been classified as Likely Pathogenic (PM2 PP3 PP4_Strong).

Literature cited by the submitters: PubMed 39675099 (cited by Natera, Inc.).